The following is an entry in ClinVar:

ClinVar aggregate classification (germline): Pathogenic (1 of 4 stars; one submission).

Conditions:
Parathyroid carcinoma (PRTC). Also called: Parathyroid gland carcinoma; CDC73-Related Parathyroid Carcinoma. Identifiers: Orphanet 143, MedGen C0687150, MONDO:0012004, OMIM 608266, HP:0006780.

Submission:

Labcorp Genetics (formerly Invitae), Labcorp
Classification: Pathogenic for Parathyroid carcinoma. Last evaluated: 2023-07-11. Review status: criteria provided, single submitter. Criteria: Invitae Variant Classification Sherloc (09022015). Collection method: clinical testing. Allele origin: unknown.
Comment: This variant results in the deletion of exons 3-7 and part of exon 2 (c.207_729+158del) of the CDC73 gene. It is expected to disrupt RNA splicing. Variants that disrupt the donor or acceptor splice site typically lead to a loss of protein function (PMID: 16199547), and loss-of-function variants in CDC73 are known to be pathogenic (PMID: 12434154). This variant has not been reported in the literature in individuals affected with CDC73-related conditions. This variant disrupts a region of the CDC73 protein in which other variant(s) (Deletion (Exons 3-5)) have been determined to be pathogenic (PMID: 17314275; Invitae). This suggests that this is a clinically significant region of the protein, and that variants that disrupt it are likely to be disease-causing. For these reasons, this variant has been classified as Pathogenic.

Literature cited by the submitters: PubMed 16199547; PubMed 12434154; PubMed 17314275.

NC_000001.10:g.(?_193094317)_(193111354_?)del

Gene: CDC73 (cell division cycle 73; plus strand). Cytogenetic location: 1q31.2.
Variant type: Deletion.
Identifiers: ClinVar variation 3247708 (VCV003247708.1).